The following is an entry in ClinVar:

ClinVar aggregate classification (germline): Uncertain significance (1 of 4 stars; one submission).

gnomAD v4.1: 24 of 1,551,330 alleles (0.0015%); highest among the groups gnomAD compares: East Asian, 0.015%; no homozygotes.

Submission:

Labcorp Genetics (formerly Invitae), Labcorp
Classification: Uncertain significance. Last evaluated: 2024-11-22. Review status: criteria provided, single submitter. Criteria: Invitae Variant Classification Sherloc (09022015). Collection method: clinical testing. Allele origin: germline.
Comment: This sequence change replaces isoleucine, which is neutral and non-polar, with valine, which is neutral and non-polar, at codon 250 of the GREB1L protein (p.Ile250Val). This variant is present in population databases (rs775203937, gnomAD 0.03%). This variant has not been reported in the literature in individuals affected with GREB1L-related conditions. An algorithm developed to predict the effect of missense changes on protein structure and function outputs the following: PolyPhen-2: "Benign". The valine amino acid residue is found in multiple mammalian species, which suggests that this missense change does not adversely affect protein function. In summary, the available evidence is currently insufficient to determine the role of this variant in disease. Therefore, it has been classified as a Variant of Uncertain Significance.

NM_001142966.3(GREB1L):c.748A>G (p.Ile250Val)

Genes: GREB1L (GREB1 like retinoic acid receptor coactivator; plus strand), GREB1L-AS1 (GREB1L antisense RNA 1; minus strand). Cytogenetic location: 18q11.1.
Variant type: single nucleotide variant.
Coding change: c.748A>G on transcript NM_001142966.3 (MANE Select); coding-DNA position 748, A replaced by G.
Protein change: p.Ile250Val; replaces isoleucine 250 with valine.
Molecular consequence: missense variant.
Genome position (GRCh38, 1-based): chr18:21,403,910, A>G. VCF-style: chr18-21403910-A-G. GRCh37 (hg19) VCF-style: chr18-18983871-A-G.
Other names: c.748A>G, p.Ile250Val (NM_001410867.1, NM_001410868.1); short protein forms I250V.
Identifiers: ClinVar variation 3668327 (VCV003668327.2).
Genomic context (GRCh38, chr18:21,403,910, plus strand): 5'-TGTGATTTTTACTCTTTTCCAGAATGTAGAAGCCGACAATCCTCTGCTTCTTGCCACTCT[A>G]TTAAGCCAAGCTCTTCAGTGTCGTCAACTGTGACCCCAGAAAATGGGACAACTAATGGAT-3'
Protein context (NP_001136438.1, residues 240-260): SRQSSASCHS[Ile250Val]KPSSSVSSTV